The following is an entry in ClinVar:

ClinVar aggregate classification (germline): Uncertain significance (1 of 4 stars; one submission).

Conditions:
Bethlem myopathy 1A. Also called: Bethlem Muscular Dystrophy; MYOPATHY, BENIGN CONGENITAL, WITH CONTRACTURES; Bethlem myopathy 1. Identifiers: Orphanet 610, MedGen CN029274, MONDO:0024530, OMIM 158810.

Submission:

Labcorp Genetics (formerly Invitae), Labcorp
Classification: Uncertain significance for Bethlem myopathy 1A. Last evaluated: 2022-07-18. Review status: criteria provided, single submitter. Criteria: Invitae Variant Classification Sherloc (09022015). Collection method: clinical testing. Allele origin: germline.
Comment: In summary, the available evidence is currently insufficient to determine the role of this variant in disease. Therefore, it has been classified as a Variant of Uncertain Significance. Algorithms developed to predict the effect of missense changes on protein structure and function are either unavailable or do not agree on the potential impact of this missense change (SIFT: "Deleterious"; PolyPhen-2: "Not Available"; Align-GVGD: "Class C35"). ClinVar contains an entry for this variant (Variation ID: 1043836). This variant has not been reported in the literature in individuals affected with COL6A1-related conditions. This variant is not present in population databases (gnomAD no frequency). This sequence change replaces serine, which is neutral and polar, with tryptophan, which is neutral and slightly polar, at codon 348 of the COL6A1 protein (p.Ser348Trp).

NM_001848.3(COL6A1):c.1043C>G (p.Ser348Trp)

Gene: COL6A1 (collagen type VI alpha 1 chain; plus strand). Cytogenetic location: 21q22.3.
Variant type: single nucleotide variant.
Coding change: c.1043C>G on transcript NM_001848.3 (MANE Select); coding-DNA position 1043, C replaced by G.
Protein change: p.Ser348Trp; replaces serine 348 with tryptophan.
Molecular consequence: missense variant.
Genome position (GRCh38, 1-based): chr21:45,990,813, C>G. VCF-style: chr21-45990813-C-G. GRCh37 (hg19) VCF-style: chr21-47410727-C-G.
Other names: short protein forms S348W.
Identifiers: ClinVar variation 1043836 (VCV001043836.9), dbSNP rs142882745, ClinGen allele CA410523455.
Genomic context (GRCh38, chr21:45,990,813, plus strand): 5'-AGTTTTCTTCCTCTTTCCAGGGGGAGATGGGGTACCCAGGCCTGCCAGGCTGCAAGGGCT[C>G]GCCCGGGTTTGACGTAAGTCACTTCCTCTCACTGATACTTTAAAACTAGCGCTGTCAGCA-3'
Protein context (NP_001839.2, residues 338-358): GYPGLPGCKG[Ser348Trp]PGFDGIQGPP